The following is an entry in ClinVar:

ClinVar aggregate classification (germline): Pathogenic/Likely pathogenic. Review status: criteria provided, multiple submitters, no conflicts (2 of 4 stars). 4 submissions from 4 submitters: Pathogenic (1); Likely pathogenic (3). Last evaluated 2024-12-31.

Conditions:
Familial dysautonomia. Also called: HSAN III; FD. Identifiers: Orphanet 1764, MedGen C0013364, MONDO:0009131, OMIM 223900. Disease mechanism: loss of function.
Medulloblastoma (MDB). Also called: MEDULLOBLASTOMA PREDISPOSITION SYNDROME; Medulloblastoma, somatic. Identifiers: Orphanet 616, MedGen C0025149, MeSH D008527, MONDO:0007959, OMIM 155255, HP:0002885.
ELP1-Associated Medulloblastoma. Identifiers: MedGen C5670652.

Submissions (4):

Natera, Inc.
Classification: Likely pathogenic for Familial dysautonomia. Last evaluated: 2024-12-31. Review status: criteria provided, single submitter. Criteria: Natera Variant Classification Schema (03/2026). Collection method: clinical testing. Allele origin: germline.
Comment: The c.674_678delACCGA variant in ELP1 is a frameshift variant predicted to shift the reading frame beginning at codon 225 and leads to a stop codon 9 codons downstream. This variant is expected to result in nonsense mediated decay, truncation, or a dysfunctional protein product. This variant is rare in the general population with a frequency below the threshold expected for the associated phenotype(s). Given the available evidence, this variant is classified as Likely Pathogenic.

Fulgent Genetics
Classification: Likely pathogenic for Medulloblastoma; Familial dysautonomia. Last evaluated: 2024-06-07. Review status: criteria provided, single submitter. Criteria: ACMG Guidelines, 2015. Collection method: clinical testing. Allele origin: germline.

Institute for Genomic Medicine (IGM) Clinical Laboratory, Nationwide Children's Hospital
Classification: Likely pathogenic for ELP1-Associated Medulloblastoma. Last evaluated: 2023-12-06. Review status: criteria provided, single submitter. Criteria: ACMG Guidelines, 2015. Collection method: clinical testing. Allele origin: germline.
Comment: This variant is predicted to result in loss of function through nonsense-mediated decay of the encoded transcript or premature truncation of the encoded protein in a gene in which loss of function is a known mechanism of disease (ACMG/AMP: PVS1; PMID:32296180). This variant is absent from or present at an exceedingly low frequency in gnomAD, a large-scale control population database (ACMG/AMP: PM2).

Labcorp Genetics (formerly Invitae), Labcorp
Classification: Pathogenic. Last evaluated: 2022-04-15. Review status: criteria provided, single submitter. Criteria: Invitae Variant Classification Sherloc (09022015). Collection method: clinical testing. Allele origin: germline.
Comment: This variant has not been reported in the literature in individuals affected with ELP1-related conditions. For these reasons, this variant has been classified as Pathogenic. ClinVar contains an entry for this variant (Variation ID: 640148). This variant is present in population databases (no rsID available, gnomAD 0.002%). This sequence change creates a premature translational stop signal (p.Asn225Argfs*9) in the ELP1 gene. It is expected to result in an absent or disrupted protein product. Loss-of-function variants in ELP1 are known to be pathogenic (PMID: 18303054, 24173031).

Literature cited by the submitters: PubMed 32296180 (cited by Institute for Genomic Medicine (IGM) Clinical Laboratory, Nationwide Children's Hospital); PubMed 18303054 (cited by Labcorp Genetics (formerly Invitae), Labcorp); PubMed 24173031 (cited by Labcorp Genetics (formerly Invitae), Labcorp).

NM_003640.5(ELP1):c.674_678del (p.Asn225fs)

Gene: ELP1 (elongator acetyltransferase complex subunit 1; minus strand). Cytogenetic location: 9q31.3.
Variant type: Deletion.
Coding change: c.674_678del on transcript NM_003640.5 (MANE Select); coding-DNA positions 674 to 678, 5 bases deleted (ACCGA; older notation c.674_678delACCGA).
Protein change: p.Asn225fs; shifts the reading frame from asparagine 225.
Molecular consequence: frameshift variant. On other transcripts: intron variant (1).
Genome position (GRCh38, 1-based): chr9:108,918,873-108,918,877, TCGGT deleted on the plus strand (ACCGA on the coding strand, the reverse complement: ELP1 is on the minus strand); deleting any 5 consecutive bases within chr9:108,918,873-108,918,879 gives the same sequence; the c. name uses the placement nearest the transcript's 3' end. VCF-style (leftmost placement, unchanged base first): chr9-108918872-CTCGGT-C. GRCh37 (hg19) VCF-style: chr9-111681152-CTCGGT-C.
Other names: c.674_678del (LRG_251t1); c.674_678delACCGA (NM_003640.4); c.332_336del, p.Asn111fs (NM_001318360.2); c.-307-1207_-307-1203del (NM_001330749.2); short protein forms N225fs, N111fs.
Identifiers: ClinVar variation 640148 (VCV000640148.8), dbSNP rs1449016398, ClinGen allele CA589613388.